The following is an entry in ClinVar:

ClinVar aggregate classification (germline): Uncertain significance. Review status: criteria provided, multiple submitters, no conflicts (2 of 4 stars). 2 submissions from 2 submitters: Uncertain significance (2). Last evaluated 2021-08-25.

Conditions:
Muscular dystrophy-dystroglycanopathy (congenital with brain and eye anomalies), type A, 7. Also called: WALKER-WARBURG SYNDROME OR MUSCLE-EYE-BRAIN DISEASE, ISPD-RELATED; Congenital muscular dystrophy-dystroglycanopathy with brain and eye anomalies, type A7. Identifiers: Orphanet 899, MedGen C3553330, MONDO:0013835, OMIM 614643.
Autosomal recessive limb-girdle muscular dystrophy type 2U. Also called: Muscular dystrophy-dystroglycanopathy (limb-girdle), type c, 7; MUSCULAR DYSTROPHY, LIMB-GIRDLE, TYPE 2U. Identifiers: Orphanet 352479, MedGen C5190987, MONDO:0014474, OMIM 616052.

Allele frequency attached by ClinVar (database versions not stated): gnomAD exomes below 0.00001; TOPMed below 0.00001.
gnomAD v4.1: 2 of 1,611,700 alleles (0.00012%); highest among the groups gnomAD compares: Non-Finnish European, 0.00017%; no homozygotes.

Submissions (2):

Revvity Omics, Revvity
Classification: Uncertain significance. Last evaluated: 2021-08-25. Review status: criteria provided, single submitter. Criteria: ACMG Guidelines, 2015. Collection method: clinical testing. Allele origin: germline.

Labcorp Genetics (formerly Invitae), Labcorp
Classification: Uncertain significance for Muscular dystrophy-dystroglycanopathy (congenital with brain and eye anomalies), type A, 7; Autosomal recessive limb-girdle muscular dystrophy type 2U. Last evaluated: 2021-08-19. Review status: criteria provided, single submitter. Criteria: Invitae Variant Classification Sherloc (09022015). Collection method: clinical testing. Allele origin: germline.
Comment: This sequence change replaces lysine with arginine at codon 246 of the ISPD protein (p.Lys246Arg). The lysine residue is highly conserved and there is a small physicochemical difference between lysine and arginine. This variant is not present in population databases (ExAC no frequency). In summary, the available evidence is currently insufficient to determine the role of this variant in disease. Therefore, it has been classified as a Variant of Uncertain Significance. Algorithms developed to predict the effect of sequence changes on RNA splicing suggest that this variant may create or strengthen a splice site. Algorithms developed to predict the effect of missense changes on protein structure and function (SIFT, PolyPhen-2, Align-GVGD) all suggest that this variant is likely to be tolerated. This variant has not been reported in the literature in individuals affected with ISPD-related conditions.

NM_001101426.4(CRPPA):c.737A>G (p.Lys246Arg)

Gene: CRPPA (CDP-L-ribitol pyrophosphorylase A; minus strand). Cytogenetic location: 7p21.2.
Variant type: single nucleotide variant.
Coding change: c.737A>G on transcript NM_001101426.4 (MANE Select); coding-DNA position 737, A replaced by G.
Protein change: p.Lys246Arg; replaces lysine 246 with arginine.
Molecular consequence: missense variant. On other transcripts: intron variant (1).
Genome position (GRCh38, 1-based): chr7:16,308,575, T>C on the plus strand (A>G on the coding strand, the complement: CRPPA is on the minus strand). VCF-style: chr7-16308575-T-C. GRCh37 (hg19) VCF-style: chr7-16348200-T-C.
Other names: c.587A>G, p.Lys196Arg (NM_001101417.4); c.685-7109A>G (NM_001368197.1); short protein forms K196R, K246R.
Identifiers: ClinVar variation 1680770 (VCV001680770.8), dbSNP rs1583508021, ClinGen allele CA367001671.